The following is an entry in ClinVar:

NM_004448.4(ERBB2):c.2440C>T (p.Arg814Cys)

Gene: ERBB2 (erb-b2 receptor tyrosine kinase 2; plus strand). Cytogenetic location: 17q12.
Variant type: single nucleotide variant.
Coding change: c.2440C>T on transcript NM_004448.4 (MANE Select); coding-DNA position 2440, C replaced by T.
Protein change: p.Arg814Cys; replaces arginine 814 with cysteine.
Molecular consequence: missense variant. On other transcripts: non-coding transcript variant (1), intron variant (2).
Genome position (GRCh38, 1-based): chr17:39,724,858, C>T. VCF-style: chr17-39724858-C-T. GRCh37 (hg19) VCF-style: chr17-37881111-C-T.
Other names: c.2350C>T, p.Arg784Cys (NM_001005862.3, NM_001382782.1, NM_001382783.1); c.2395C>T, p.Arg799Cys (NM_001289936.2); c.2440C>T, p.Arg814Cys (NM_001289937.2, NM_001382796.1, NM_001382798.1); c.2557C>T, p.Arg853Cys (NM_001382784.1); c.2542C>T, p.Arg848Cys (NM_001382785.1); c.2521C>T, p.Arg841Cys (NM_001382786.1); c.2515C>T, p.Arg839Cys (NM_001382787.1); c.2470C>T, p.Arg824Cys (NM_001382788.1); and 13 more; short protein forms R784C, R814C, R799C, R468C, R538C, R728C, R754C, R781C.
Identifiers: ClinVar variation 134077 (VCV000134077.1), dbSNP rs587778267, ClinGen allele CA158628.
Genomic context (GRCh38, chr17:39,724,858, plus strand): 5'-GTGCAGCTGGTGACACAGCTTATGCCCTATGGCTGCCTCTTAGACCATGTCCGGGAAAAC[C>T]GCGGACGCCTGGGCTCCCAGGACCTGCTGAACTGGTGTATGCAGATTGCCAAGGTATGCA-3'
Protein context (NP_004439.2, residues 804-824): GCLLDHVREN[Arg814Cys]GRLGSQDLLN

ClinVar aggregate classification (germline): not provided (0 of 4 stars; one submission).

Allele frequency attached by ClinVar (database versions not stated): gnomAD exomes below 0.00001 and 0.00001; TOPMed 0.00001.
gnomAD v4.1: 8 of 1,614,224 alleles (0.0005%); highest among the groups gnomAD compares: South Asian, 0.0011%; no homozygotes.

Submission:

ITMI
No classification provided. Condition: AllHighlyPenetrant. Last evaluated: 2013-09-19. Review status: no classification provided. Collection method: reference population. Allele origin: germline.
Comment: Please see associated publication for description of ethnicities

Literature cited by the submitters: PubMed 24728327.